The following is an entry in ClinVar:

NM_016203.4(PRKAG2):c.1658C>T (p.Ala553Val)

Gene: PRKAG2 (protein kinase AMP-activated non-catalytic subunit gamma 2; minus strand). Cytogenetic location: 7q36.1.
Variant type: single nucleotide variant.
Coding change: c.1658C>T on transcript NM_016203.4 (MANE Select); coding-DNA position 1658, C replaced by T.
Protein change: p.Ala553Val; replaces alanine 553 with valine.
Molecular consequence: missense variant.
Genome position (GRCh38, 1-based): chr7:151,560,544, G>A on the plus strand (C>T on the coding strand, the complement: PRKAG2 is on the minus strand). VCF-style: chr7-151560544-G-A. GRCh37 (hg19) VCF-style: chr7-151257630-G-A.
Other names: c.1523C>T, p.Ala508Val (NM_001407027.1, NM_001407026.1); c.1286C>T, p.Ala429Val (NM_001407028.1, NM_001363698.2); c.1283C>T, p.Ala428Val (NM_001407029.1, NM_001304527.2); c.1370C>T, p.Ala457Val (NM_001407030.1); c.1367C>T, p.Ala456Val (NM_001407031.1); c.1340C>T, p.Ala447Val (NM_001407032.1); c.1334C>T, p.Ala445Val (NM_001407033.1); c.935C>T, p.Ala312Val (NM_001407034.1, NM_001407035.1, NM_024429.2 and 1 more transcripts); and 6 more; short protein forms A312V, A428V, A447V, A429V, A445V, A456V, A508V, A509V.
Identifiers: ClinVar variation 5027281 (VCV005027281.1).

ClinVar aggregate classification (germline): Uncertain significance (1 of 4 stars; one submission).

Conditions:
Cardiovascular phenotype. Identifiers: MedGen CN230736.

gnomAD v4.1: 1 of 1,614,092 alleles (0.000062%); highest among the groups gnomAD compares: Non-Finnish European, 0.000085%; no homozygotes.

Submission:

Ambry Genetics
Classification: Uncertain significance for Cardiovascular phenotype. Last evaluated: 2026-08-08. Review status: criteria provided, single submitter. Criteria: Ambry Variant Classification Scheme 2023. Collection method: clinical testing. Allele origin: germline.
Comment: The p.A553V variant (also known as c.1658C>T), located in coding exon 15 of the PRKAG2 gene, results from a C to T substitution at nucleotide position 1658. The alanine at codon 553 is replaced by valine, an amino acid with similar properties. This amino acid position is conserved. In addition, this alteration is predicted to be deleterious by in silico analysis. Based on the available evidence, the clinical significance of this variant remains unclear.